The following is an entry in ClinVar:

ClinVar aggregate classification (germline): Uncertain significance (1 of 4 stars; one submission).

Allele frequency attached by ClinVar (database versions not stated): gnomAD exomes below 0.00001; gnomAD 0.00001.
gnomAD v4.1: 4 of 1,613,966 alleles (0.00025%); highest among the groups gnomAD compares: Non-Finnish European, 0.00025%; no homozygotes.

Submission:

Labcorp Genetics (formerly Invitae), Labcorp
Classification: Uncertain significance. Last evaluated: 2024-11-11. Review status: criteria provided, single submitter. Criteria: Invitae Variant Classification Sherloc (09022015). Collection method: clinical testing. Allele origin: germline.
Comment: This sequence change replaces alanine, which is neutral and non-polar, with serine, which is neutral and polar, at codon 18 of the TBCK protein (p.Ala18Ser). This variant is present in population databases (no rsID available, gnomAD 0.007%). This variant has not been reported in the literature in individuals affected with TBCK-related conditions. ClinVar contains an entry for this variant (Variation ID: 1422892). Invitae Evidence Modeling of protein sequence and biophysical properties (such as structural, functional, and spatial information, amino acid conservation, physicochemical variation, residue mobility, and thermodynamic stability) indicates that this missense variant is not expected to disrupt TBCK protein function with a negative predictive value of 80%. In summary, the available evidence is currently insufficient to determine the role of this variant in disease. Therefore, it has been classified as a Variant of Uncertain Significance.

NM_001163435.3(TBCK):c.52G>T (p.Ala18Ser)

Gene: TBCK (TBC1 domain containing kinase; minus strand). Cytogenetic location: 4q24.
Variant type: single nucleotide variant.
Coding change: c.52G>T on transcript NM_001163435.3 (MANE Select); coding-DNA position 52, G replaced by T.
Protein change: p.Ala18Ser; replaces alanine 18 with serine.
Molecular consequence: missense variant. On other transcripts: 5 prime UTR variant (1).
Genome position (GRCh38, 1-based): chr4:106,308,909, C>A on the plus strand (G>T on the coding strand, the complement: TBCK is on the minus strand). VCF-style: chr4-106308909-C-A. GRCh37 (hg19) VCF-style: chr4-107230066-C-A.
Other names: c.52G>T, p.Ala18Ser (NM_001163436.4, NM_001163437.3, NM_033115.5); c.-566G>T (NM_001290768.2); short protein forms A18S.
Identifiers: ClinVar variation 1422892 (VCV001422892.8), dbSNP rs1212748015, ClinGen allele CA357974179.